The following is an entry in ClinVar:

NM_005251.3(FOXC2):c.625A>T (p.Lys209Ter)

Gene: FOXC2 (forkhead box C2; plus strand). Cytogenetic location: 16q24.1.
Variant type: single nucleotide variant.
Coding change: c.625A>T on transcript NM_005251.3 (MANE Select); coding-DNA position 625, A replaced by T.
Protein change: p.Lys209Ter; replaces lysine 209 with a stop codon.
Molecular consequence: nonsense.
Genome position (GRCh38, 1-based): chr16:86,567,960, A>T. VCF-style: chr16-86567960-A-T. GRCh37 (hg19) VCF-style: chr16-86601566-A-T.
Other names: short protein forms K209*.
Identifiers: ClinVar variation 4531622 (VCV004531622.1).

ClinVar aggregate classification (germline): Pathogenic (1 of 4 stars; one submission).

Conditions:
Distichiasis-lymphedema syndrome. Also called: LYMPHEDEMA WITH DISTICHIASIS. Identifiers: Orphanet 33001, MedGen C0265345, MONDO:0007922, OMIM 153400.

Submission:

Victorian Clinical Genetics Services, Murdoch Childrens Research Institute
Classification: Pathogenic for Distichiasis-lymphedema syndrome. Last evaluated: 2025-02-05. Review status: criteria provided, single submitter. Criteria: ACMG Guidelines, 2015. Collection method: clinical testing. Allele origin: germline. Affected: yes.
Comment: This variant is classified as Pathogenic. Evidence in support of pathogenic classification: Variant is predicted to result in a truncated protein (premature termination codon is NOT located at least 54 nucleotides upstream of the final exon-exon junction) with at least 1/3 of the protein sequence affected; Variant is absent from gnomAD (v2, v3 and v4); Other truncating variant(s) comparable to the one identified in this case have very strong previous evidence for pathogenicity (DECIPHER). Additional information: This variant is heterozygous; This gene is associated with autosomal dominant disease; This variant has no previous evidence of pathogenicity; No published segregation evidence has been identified for this variant; No published functional evidence has been identified for this variant; Loss of function and gain of function are known mechanisms of disease in this gene and are associated with lymphoedema-distichiasis syndrome with or without renal disease and diabetes mellitus (MIM#153400). Missense variants within the forkhead domain and truncating variants in the N-terminal are found to cause loss of function, while missense variants outside of the forkhead domain and truncating variants in the C-terminal region of the protein are gain of function (PMIDs: 27276711, 16081467, 19760751); The condition associated with this gene has incomplete penetrance (PMID: 24278289).

Literature cited by the submitters: PubMed 16081467; PubMed 27276711; PubMed 24278289; PubMed 19760751.